The following is an entry in ClinVar:

ClinVar aggregate classification (germline): Pathogenic/Likely pathogenic. Review status: criteria provided, multiple submitters, no conflicts (2 of 4 stars). 2 submissions from 2 submitters: Pathogenic (1); Likely pathogenic (1). Last evaluated 2024-02-20.

Conditions:
Nephronophthisis. Also called: Juvenile Nephronophthisis. Identifiers: Orphanet 655, MedGen C0687120, MONDO:0019005, HP:0000090.
Infantile nephronophthisis (NPHP2). Also called: Nephronophthisis 2, infantile; Nephronophthisis 2. Identifiers: Orphanet 655, Orphanet 93591, MedGen C1865872, MONDO:0011190, OMIM 602088.

Submissions (2):

Fulgent Genetics
Classification: Likely pathogenic for Infantile nephronophthisis. Last evaluated: 2024-02-20. Review status: criteria provided, single submitter. Criteria: ACMG Guidelines, 2015. Collection method: clinical testing. Allele origin: germline.

Labcorp Genetics (formerly Invitae), Labcorp
Classification: Pathogenic for Nephronophthisis. Last evaluated: 2023-07-06. Review status: criteria provided, single submitter. Criteria: Invitae Variant Classification Sherloc (09022015). Collection method: clinical testing. Allele origin: germline.
Comment: This sequence change creates a premature translational stop signal (p.Gly456Glufs*54) in the INVS gene. It is expected to result in an absent or disrupted protein product. Loss-of-function variants in INVS are known to be pathogenic (PMID: 12872123). This variant is present in population databases (no rsID available, gnomAD 0.002%). This variant has not been reported in the literature in individuals affected with INVS-related conditions. For these reasons, this variant has been classified as Pathogenic.

Literature cited by the submitters: PubMed 12872123 (cited by Labcorp Genetics (formerly Invitae), Labcorp).

NM_014425.5(INVS):c.1367del (p.Gly456fs)

Gene: INVS (inversin; plus strand). Cytogenetic location: 9q31.1.
Variant type: Deletion.
Coding change: c.1367del on transcript NM_014425.5 (MANE Select); coding-DNA position 1367, one base deleted (G; older notation c.1367delG).
Protein change: p.Gly456fs; shifts the reading frame from glycine 456.
Molecular consequence: frameshift variant. On other transcripts: non-coding transcript variant (1).
Genome position (GRCh38, 1-based): chr9:100,253,039, G deleted; the last of 2 consecutive G bases (chr9:100,253,038-100,253,039); deleting either gives the same sequence. VCF-style (leftmost placement, unchanged base first): chr9-100253037-AG-A. GRCh37 (hg19) VCF-style: chr9-103015319-AG-A.
Other names: c.1079del, p.Gly360fs (NM_001318381.2); c.389del, p.Gly130fs (NM_001318382.2); short protein forms G130fs, G360fs, G456fs.
Identifiers: ClinVar variation 2783208 (VCV002783208.4), dbSNP rs1564177022, ClinGen allele CA590046869.